The following is an entry in ClinVar:

NM_003906.5(MCM3AP):c.4039G>A (p.Val1347Met)

Gene: MCM3AP (minichromosome maintenance complex component 3 associated protein; minus strand). Cytogenetic location: 21q22.3.
Variant type: single nucleotide variant.
Coding change: c.4039G>A on transcript NM_003906.5 (MANE Select); coding-DNA position 4039, G replaced by A.
Protein change: p.Val1347Met; replaces valine 1347 with methionine.
Molecular consequence: missense variant.
Genome position (GRCh38, 1-based): chr21:46,254,489, C>T on the plus strand (G>A on the coding strand, the complement: MCM3AP is on the minus strand). VCF-style: chr21-46254489-C-T. GRCh37 (hg19) VCF-style: chr21-47674403-C-T.
Other names: c.4039G>A (NM_003906.3); short protein forms V1347M.
Identifiers: ClinVar variation 1421611 (VCV001421611.4), dbSNP rs765910780, ClinGen allele CA10076263.

ClinVar aggregate classification (germline): Uncertain significance. Review status: criteria provided, multiple submitters, no conflicts (2 of 4 stars). 2 submissions from 2 submitters: Uncertain significance (2). Last evaluated 2024-09-03.

Conditions:
Inborn genetic diseases. Identifiers: MedGen C0950123, MeSH D030342.

Allele frequency attached by ClinVar (database versions not stated): ExAC 0.00004; gnomAD exomes 0.00004 and 0.00008.
gnomAD v4.1: 129 of 1,614,024 alleles (0.008%); highest among the groups gnomAD compares: Non-Finnish European, 0.0098%; no homozygotes.

Submissions (2):

Ambry Genetics
Classification: Uncertain significance for Inborn genetic diseases. Last evaluated: 2024-09-03. Review status: criteria provided, single submitter. Criteria: Ambry Variant Classification Scheme 2023. Collection method: clinical testing. Allele origin: germline.

Labcorp Genetics (formerly Invitae), Labcorp
Classification: Uncertain significance. Last evaluated: 2021-09-18. Review status: criteria provided, single submitter. Criteria: Invitae Variant Classification Sherloc (09022015). Collection method: clinical testing. Allele origin: germline.
Comment: This sequence change replaces valine with methionine at codon 1347 of the MCM3AP protein (p.Val1347Met). The valine residue is moderately conserved and there is a small physicochemical difference between valine and methionine. This variant is present in population databases (rs765910780, ExAC 0.01%). This variant has not been reported in the literature in individuals affected with MCM3AP-related conditions. Algorithms developed to predict the effect of missense changes on protein structure and function are either unavailable or do not agree on the potential impact of this missense change (SIFT: "Deleterious"; PolyPhen-2: "Possibly Damaging"; Align-GVGD: "Class C0"). In summary, the available evidence is currently insufficient to determine the role of this variant in disease. Therefore, it has been classified as a Variant of Uncertain Significance.